The following is an entry in ClinVar:

NM_000256.3(MYBPC3):c.655-9T>G

Gene: MYBPC3 (myosin binding protein C3; minus strand). Cytogenetic location: 11p11.2.
Variant type: single nucleotide variant.
Coding change: c.655-9T>G on transcript NM_000256.3 (MANE Select); 9 bases into the intron before coding-DNA position 655, T replaced by G.
Molecular consequence: intron variant.
Genome position (GRCh38, 1-based): chr11:47,348,550, A>C on the plus strand (T>G on the coding strand, the complement: MYBPC3 is on the minus strand). VCF-style: chr11-47348550-A-C. GRCh37 (hg19) VCF-style: chr11-47370101-A-C.
Identifiers: ClinVar variation 3676690 (VCV003676690.3).

ClinVar aggregate classification (germline): Uncertain significance. Review status: criteria provided, multiple submitters, no conflicts (2 of 4 stars). 2 submissions from 2 submitters: Uncertain significance (2). Last evaluated 2025-06-13.

Conditions:
Hypertrophic cardiomyopathy. Also called: HYPERTROPHIC MYOCARDIOPATHY. Identifiers: Orphanet 217569, MedGen C0007194, MeSH D002312, MONDO:0005045, HP:0001639.

Submissions (2):

GeneDx
Classification: Uncertain significance. Last evaluated: 2025-06-13. Review status: criteria provided, single submitter. Criteria: GeneDx Variant Classification Process June 2021. Collection method: clinical testing. Allele origin: germline. Affected: yes.
Comment: Not observed at significant frequency in large population cohorts (gnomAD); In silico analysis supports a deleterious effect on splicing; Has not been previously published as pathogenic or benign to our knowledge

Labcorp Genetics (formerly Invitae), Labcorp
Classification: Uncertain significance for Hypertrophic cardiomyopathy. Last evaluated: 2024-10-16. Review status: criteria provided, single submitter. Criteria: Invitae Variant Classification Sherloc (09022015). Collection method: clinical testing. Allele origin: germline.
Comment: This sequence change falls in intron 5 of the MYBPC3 gene. It does not directly change the encoded amino acid sequence of the MYBPC3 protein. This variant is not present in population databases (gnomAD no frequency). This variant has not been reported in the literature in individuals affected with MYBPC3-related conditions. Algorithms developed to predict the effect of sequence changes on RNA splicing suggest that this variant may disrupt the consensus splice site. In summary, the available evidence is currently insufficient to determine the role of this variant in disease. Therefore, it has been classified as a Variant of Uncertain Significance.